The following is an entry in ClinVar:

ClinVar aggregate classification (germline): Uncertain significance (1 of 4 stars; one submission).

Submission:

CeGaT Center for Human Genetics Tuebingen
Classification: Uncertain significance. Last evaluated: 2024-08-01. Review status: criteria provided, single submitter. Criteria: CeGaT Center For Human Genetics Tuebingen Variant Classification Criteria Version 2. Collection method: clinical testing. Allele origin: germline. Affected: yes. Observed: 1 variant allele.
Comment: C3: PM2, BP4

NM_000064.4(C3):c.367G>A (p.Val123Ile)

Gene: C3 (complement C3; minus strand). Cytogenetic location: 19p13.3.
Variant type: single nucleotide variant.
Coding change: c.367G>A on transcript NM_000064.4 (MANE Select); coding-DNA position 367, G replaced by A.
Protein change: p.Val123Ile; replaces valine 123 with isoleucine.
Molecular consequence: missense variant.
Genome position (GRCh38, 1-based): chr19:6,718,313, C>T on the plus strand (G>A on the coding strand, the complement: C3 is on the minus strand). VCF-style: chr19-6718313-C-T. GRCh37 (hg19) VCF-style: chr19-6718324-C-T.
Other names: short protein forms V123I.
Identifiers: ClinVar variation 3251095 (VCV003251095.18), dbSNP rs1265210034.